The following is an entry in ClinVar:

ClinVar aggregate classification (germline): Uncertain significance (1 of 4 stars; one submission).

Allele frequency attached by ClinVar (database versions not stated): gnomAD 0.00001; TOPMed 0.00001; gnomAD exomes 0.00005.
gnomAD v4.1: 59 of 1,209,203 alleles (0.0049%); highest among the groups gnomAD compares: Non-Finnish European, 0.0061%; no homozygotes.

Submission:

GeneDx
Classification: Uncertain significance. Last evaluated: 2026-10-23. Review status: criteria provided, single submitter. Criteria: GeneDx Variant Classification Process June 2021. Collection method: clinical testing. Allele origin: germline.
Comment: Not observed at significant frequency in large population cohorts (gnomAD); In silico analysis supports that this missense variant has a deleterious effect on protein structure/function; Has not been previously published as pathogenic or benign to our knowledge

NM_153252.5(BRWD3):c.2065G>C (p.Asp689His)

Gene: BRWD3 (bromodomain and WD repeat domain containing 3; minus strand). Cytogenetic location: Xq21.1.
Variant type: single nucleotide variant.
Coding change: c.2065G>C on transcript NM_153252.5 (MANE Select); coding-DNA position 2065, G replaced by C.
Protein change: p.Asp689His; replaces aspartic acid 689 with histidine.
Molecular consequence: missense variant.
Genome position (GRCh38, 1-based): chrX:80,717,739, C>G on the plus strand (G>C on the coding strand, the complement: BRWD3 is on the minus strand). VCF-style: chrX-80717739-C-G. GRCh37 (hg19) VCF-style: chrX-79973238-C-G.
Other names: short protein forms D689H.
Identifiers: ClinVar variation 2576915 (VCV002576915.3), dbSNP rs1395151264, ClinGen allele CA413633643.